The following is an entry in ClinVar:

NM_001199397.3(NEK1):c.3343A>C (p.Ile1115Leu)

Gene: NEK1 (NIMA related kinase 1; minus strand). Cytogenetic location: 4q33.
Variant type: single nucleotide variant.
Coding change: c.3343A>C on transcript NM_001199397.3 (MANE Select); coding-DNA position 3343, A replaced by C.
Protein change: p.Ile1115Leu; replaces isoleucine 1115 with leucine.
Molecular consequence: missense variant. On other transcripts: non-coding transcript variant (1).
Genome position (GRCh38, 1-based): chr4:169,406,627, T>G on the plus strand (A>C on the coding strand, the complement: NEK1 is on the minus strand). VCF-style: chr4-169406627-T-G. GRCh37 (hg19) VCF-style: chr4-170327778-T-G.
Other names: c.3211A>C, p.Ile1071Leu (NM_001199398.3); c.3052A>C, p.Ile1018Leu (NM_001199399.3); c.3127A>C, p.Ile1043Leu (NM_001199400.3); c.3343A>C, p.Ile1115Leu (NM_001374418.1); c.3259A>C, p.Ile1087Leu (NM_001374419.1, NM_012224.4); c.3208A>C, p.Ile1070Leu (NM_001374420.1); c.2860A>C, p.Ile954Leu (NM_001374421.1); short protein forms I1043L, I1070L, I1071L, I1018L, I1087L, I1115L, I954L.
Identifiers: ClinVar variation 2778518 (VCV002778518.3), dbSNP rs780381011, ClinGen allele CA3137173.

ClinVar aggregate classification (germline): Uncertain significance (1 of 4 stars; one submission).

Conditions:
Short-rib thoracic dysplasia 6 with or without polydactyly (SRTD6). Also called: SHORT-RIB THORACIC DYSPLASIA 6 WITH POLYDACTYLY; SHORT-RIB THORACIC DYSPLASIA 6 WITHOUT POLYDACTYLY; Majewski Syndrome; POLYDACTYLY WITH NEONATAL CHONDRODYSTROPHY, TYPE II; SHORT RIB-POLYDACTYLY SYNDROME, TYPE IIA. Identifiers: MedGen C0024507, MONDO:0009894, OMIM 263520.

Allele frequency attached by ClinVar (database versions not stated): ExAC 0.00001; gnomAD 0.00001.
gnomAD v4.1: 2 of 1,606,730 alleles (0.00012%); highest among the groups gnomAD compares: African/African-American, 0.0027%; no homozygotes.

Submission:

Labcorp Genetics (formerly Invitae), Labcorp
Classification: Uncertain significance for Short-rib thoracic dysplasia 6 with or without polydactyly. Last evaluated: 2025-01-15. Review status: criteria provided, single submitter. Criteria: Invitae Variant Classification Sherloc (09022015). Collection method: clinical testing. Allele origin: germline.
Comment: This sequence change replaces isoleucine, which is neutral and non-polar, with leucine, which is neutral and non-polar, at codon 1087 of the NEK1 protein (p.Ile1087Leu). This variant is present in population databases (rs780381011, gnomAD 0.007%). This variant has not been reported in the literature in individuals affected with NEK1-related conditions. ClinVar contains an entry for this variant (Variation ID: 2778518). Invitae Evidence Modeling of protein sequence and biophysical properties (such as structural, functional, and spatial information, amino acid conservation, physicochemical variation, residue mobility, and thermodynamic stability) indicates that this missense variant is not expected to disrupt NEK1 protein function with a negative predictive value of 80%. In summary, the available evidence is currently insufficient to determine the role of this variant in disease. Therefore, it has been classified as a Variant of Uncertain Significance.